The following is an entry in ClinVar:

ClinVar aggregate classification (germline): Conflicting classifications of pathogenicity. Review status: criteria provided, conflicting classifications (1 of 4 stars). 3 submissions from 3 submitters: Uncertain significance (2); Likely benign (1). Last evaluated 2025-10-23.

Conditions:
Inborn genetic diseases. Identifiers: MedGen C0950123, MeSH D030342.

Allele frequency attached by ClinVar (database versions not stated): gnomAD 0.00003 and 0.00004; gnomAD exomes 0.00004 and 0.00010; ExAC 0.00006; TOPMed 0.00006.
gnomAD v4.1: 140 of 1,614,080 alleles (0.0087%); highest among the groups gnomAD compares: East Asian, 0.19%; no homozygotes.

Submissions (3):

Ambry Genetics
Classification: Likely benign for Inborn genetic diseases. Last evaluated: 2025-10-23. Review status: criteria provided, single submitter. Criteria: Ambry Variant Classification Scheme 2023. Collection method: clinical testing. Allele origin: germline.

Labcorp Genetics (formerly Invitae), Labcorp
Classification: Uncertain significance. Last evaluated: 2022-05-05. Review status: criteria provided, single submitter. Criteria: Invitae Variant Classification Sherloc (09022015). Collection method: clinical testing. Allele origin: germline.
Comment: This variant is present in population databases (rs761149153, gnomAD 0.05%). In summary, the available evidence is currently insufficient to determine the role of this variant in disease. Therefore, it has been classified as a Variant of Uncertain Significance. Algorithms developed to predict the effect of missense changes on protein structure and function are either unavailable or do not agree on the potential impact of this missense change (SIFT: "Tolerated"; PolyPhen-2: "Probably Damaging"; Align-GVGD: "Class C0"). ClinVar contains an entry for this variant (Variation ID: 214706). This variant has not been reported in the literature in individuals affected with NDUFA10-related conditions. This sequence change replaces valine, which is neutral and non-polar, with isoleucine, which is neutral and non-polar, at codon 211 of the NDUFA10 protein (p.Val211Ile).

GeneDx
Classification: Uncertain significance. Last evaluated: 2014-07-30. Review status: criteria provided, single submitter. Criteria: GeneDx Variant Classification (06012015). Collection method: clinical testing. Allele origin: germline. Affected: yes.
Comment: p.Val211Ile (GTT>ATT): c.631 G>A in exon 5 of the NDUFA10 gene (NM_004544.3)A variant of unknown significance has been identified in the NDUFA10 gene. The V211I variant has not been published as a mutation, nor has it been reported as a benign polymorphism to our knowledge. The V211I variant is a conservative amino acid substitution, which is not likely to impact secondary protein structure as these residues share similar properties. This substitution occurs at a position that is conserved across species. In silico analysis is inconsistent in its predictions as to whether or not the variant is damaging to the protein structure/function. Therefore, based on the currently available information, it is unclear whether this variant is a pathogenic mutation or a rare benign variant. The variant is found in MITONUC-MITOP panel(s).

NM_004544.4(NDUFA10):c.631G>A (p.Val211Ile)

Gene: NDUFA10 (NADH:ubiquinone oxidoreductase subunit A10; minus strand). Cytogenetic location: 2q37.3.
Variant type: single nucleotide variant.
Coding change: c.631G>A on transcript NM_004544.4 (MANE Select); coding-DNA position 631, G replaced by A.
Protein change: p.Val211Ile; replaces valine 211 with isoleucine.
Molecular consequence: missense variant. On other transcripts: non-coding transcript variant (4).
Genome position (GRCh38, 1-based): chr2:240,014,777, C>T on the plus strand (G>A on the coding strand, the complement: NDUFA10 is on the minus strand). VCF-style: chr2-240014777-C-T. GRCh37 (hg19) VCF-style: chr2-240954194-C-T.
Other names: p.V211I:GTT>ATT; c.631G>A, p.Val211Ile (NM_001322019.2, NM_001322020.2); short protein forms V211I.
Identifiers: ClinVar variation 214706 (VCV000214706.8), dbSNP rs761149153, ClinGen allele CA320666.